The following is an entry in ClinVar:

ClinVar aggregate classification (germline): Uncertain significance. Review status: criteria provided, single submitter (1 of 4 stars). 2 submissions from 2 submitters: Uncertain significance (1). 1 of the submissions does not count toward it. Last evaluated 2022-03-10.

Conditions:
Retinitis pigmentosa 25 (RP25). Identifiers: Orphanet 791, MedGen C1864446, MONDO:0011272, OMIM 602772.

Allele frequency attached by ClinVar (database versions not stated): TOPMed 0.00002; gnomAD 0.00003.
gnomAD v4.1: 17 of 1,611,808 alleles (0.0011%); highest among the groups gnomAD compares: African/African-American, 0.0013%; no homozygotes.

Submissions (2):

Labcorp Genetics (formerly Invitae), Labcorp
Classification: Uncertain significance. Last evaluated: 2022-03-10. Review status: criteria provided, single submitter. Criteria: Invitae Variant Classification Sherloc (09022015). Collection method: clinical testing. Allele origin: germline.
Comment: This sequence change replaces arginine, which is basic and polar, with glutamine, which is neutral and polar, at codon 551 of the EYS protein (p.Arg551Gln). This variant is present in population databases (rs773906269, gnomAD 0.004%). This variant has not been reported in the literature in individuals affected with EYS-related conditions. ClinVar contains an entry for this variant (Variation ID: 956697). Algorithms developed to predict the effect of missense changes on protein structure and function output the following: SIFT: "Tolerated"; PolyPhen-2: "Benign"; Align-GVGD: "Class C0". The glutamine amino acid residue is found in multiple mammalian species, which suggests that this missense change does not adversely affect protein function. In summary, the available evidence is currently insufficient to determine the role of this variant in disease. Therefore, it has been classified as a Variant of Uncertain Significance.

Natera, Inc.
Classification: Uncertain significance for Retinitis pigmentosa type 25. Last evaluated: 2020-12-07. Review status: no assertion criteria provided. Collection method: clinical testing. Allele origin: germline. Not counted in ClinVar's aggregate classification.

NM_001142800.2(EYS):c.1652G>A (p.Arg551Gln)

Gene: EYS (eyes shut homolog; minus strand). Cytogenetic location: 6q12.
Variant type: single nucleotide variant.
Coding change: c.1652G>A on transcript NM_001142800.2 (MANE Select); coding-DNA position 1652, G replaced by A.
Protein change: p.Arg551Gln; replaces arginine 551 with glutamine.
Molecular consequence: missense variant.
Genome position (GRCh38, 1-based): chr6:65,335,094, C>T on the plus strand (G>A on the coding strand, the complement: EYS is on the minus strand). VCF-style: chr6-65335094-C-T. GRCh37 (hg19) VCF-style: chr6-66044987-C-T.
Other names: c.1652G>A, p.Arg551Gln (NM_001142801.2, NM_001292009.2, NM_198283.2); short protein forms R551Q.
Identifiers: ClinVar variation 956697 (VCV000956697.8), dbSNP rs773906269, ClinGen allele CA3877656.
Genomic context (GRCh38, chr6:65,335,094, plus strand): 5'-TGATCATCAGTTGTATTTTCCAGATACATGTTGCCAGCCCATCTGAGAAAACATAGATAC[C>T]GATATTCCTGACTGTCTTCTTCACTCAAACAACTGCATCCATTTGCACAAATCTATAGCA-3'
Protein context (NP_001136272.1, residues 541-561): CLSEEDSQEY[Arg551Gln]YLCFLRWAGN